The following is an entry in ClinVar:

ClinVar aggregate classification (germline): Uncertain significance (1 of 4 stars; one submission).

Allele frequency attached by ClinVar (database versions not stated): gnomAD exomes below 0.00001.
gnomAD v4.1: 1 of 1,613,848 alleles (0.000062%); highest among the groups gnomAD compares: Non-Finnish European, 0.000085%; no homozygotes.

Submission:

Labcorp Genetics (formerly Invitae), Labcorp
Classification: Uncertain significance. Last evaluated: 2022-03-14. Review status: criteria provided, single submitter. Criteria: Invitae Variant Classification Sherloc (09022015). Collection method: clinical testing. Allele origin: germline.
Comment: In summary, the available evidence is currently insufficient to determine the role of this variant in disease. Therefore, it has been classified as a Variant of Uncertain Significance. Algorithms developed to predict the effect of missense changes on protein structure and function output the following: SIFT: "Tolerated"; PolyPhen-2: "Benign"; Align-GVGD: "Class C0". The serine amino acid residue is found in multiple mammalian species, which suggests that this missense change does not adversely affect protein function. This variant has not been reported in the literature in individuals affected with MSH3-related conditions. This variant is not present in population databases (gnomAD no frequency). This sequence change replaces leucine, which is neutral and non-polar, with serine, which is neutral and polar, at codon 673 of the MSH3 protein (p.Leu673Ser).

NM_002439.5(MSH3):c.2018T>C (p.Leu673Ser)

Gene: MSH3 (mutS homolog 3; plus strand). Cytogenetic location: 5q14.1.
Variant type: single nucleotide variant.
Coding change: c.2018T>C on transcript NM_002439.5 (MANE Select); coding-DNA position 2018, T replaced by C.
Protein change: p.Leu673Ser; replaces leucine 673 with serine.
Molecular consequence: missense variant.
Genome position (GRCh38, 1-based): chr5:80,768,054, T>C. VCF-style: chr5-80768054-T-C. GRCh37 (hg19) VCF-style: chr5-80063873-T-C.
Other names: short protein forms L673S.
Identifiers: ClinVar variation 2112045 (VCV002112045.4), dbSNP rs2546773676, ClinGen allele CA360277763.
Genomic context (GRCh38, chr5:80,768,054, plus strand): 5'-AAGCAATAATACCTGCTGTTAATTCCCACATTCAGTCAGACTTGCTCCGGACCGTTATTT[T>C]AGAAATTCCTGAACTCCTCAGTCCAGTGGAGCATTACTTAAAGATACTCAATGAACAAGC-3'
Protein context (NP_002430.3, residues 663-683): IQSDLLRTVI[Leu673Ser]EIPELLSPVE